The following is an entry in ClinVar:

NM_002972.4(SBF1):c.4399C>G (p.Pro1467Ala)

Gene: SBF1 (SET binding factor 1; minus strand). Cytogenetic location: 22q13.33.
Variant type: single nucleotide variant.
Coding change: c.4399C>G on transcript NM_002972.4 (MANE Select); coding-DNA position 4399, C replaced by G.
Protein change: p.Pro1467Ala; replaces proline 1467 with alanine.
Molecular consequence: missense variant.
Genome position (GRCh38, 1-based): chr22:50,455,379, G>C on the plus strand (C>G on the coding strand, the complement: SBF1 is on the minus strand). VCF-style: chr22-50455379-G-C. GRCh37 (hg19) VCF-style: chr22-50893808-G-C.
Other names: c.4324C>G, p.Pro1442Ala (NM_001365819.1); c.4402C>G, p.Pro1468Ala (NM_001410794.1); c.4321C>G, p.Pro1441Ala (NM_001410795.1); c.4399C>G, p.Pro1467Ala (NM_197971.1); short protein forms P1441A, P1442A, P1467A, P1468A.
Identifiers: ClinVar variation 1904932 (VCV001904932.5), dbSNP rs753485438, ClinGen allele CA412195859.

ClinVar aggregate classification (germline): Uncertain significance (1 of 4 stars; one submission).

gnomAD v4.1: 1 of 1,613,030 alleles (0.000062%); highest among the groups gnomAD compares: South Asian, 0.0011%; no homozygotes.

Submission:

Labcorp Genetics (formerly Invitae), Labcorp
Classification: Uncertain significance. Last evaluated: 2022-09-20. Review status: criteria provided, single submitter. Criteria: Invitae Variant Classification Sherloc (09022015). Collection method: clinical testing. Allele origin: germline.
Comment: In summary, the available evidence is currently insufficient to determine the role of this variant in disease. Therefore, it has been classified as a Variant of Uncertain Significance. Advanced modeling of protein sequence and biophysical properties (such as structural, functional, and spatial information, amino acid conservation, physicochemical variation, residue mobility, and thermodynamic stability) performed at Invitae indicates that this missense variant is expected to disrupt SBF1 protein function. This variant has not been reported in the literature in individuals affected with SBF1-related conditions. This variant is not present in population databases (gnomAD no frequency). This sequence change replaces proline, which is neutral and non-polar, with alanine, which is neutral and non-polar, at codon 1467 of the SBF1 protein (p.Pro1467Ala).